The following is an entry in ClinVar:

NM_001267550.2(TTN):c.48268T>A (p.Tyr16090Asn)

Genes: TTN (titin; minus strand), TTN-AS1 (TTN antisense RNA 1; plus strand). Cytogenetic location: 2q31.2.
Variant type: single nucleotide variant.
Coding change: c.48268T>A on transcript NM_001267550.2 (MANE Select); coding-DNA position 48268, T replaced by A.
Protein change: p.Tyr16090Asn; replaces tyrosine 16090 with asparagine.
Molecular consequence: missense variant.
Genome position (GRCh38, 1-based): chr2:178,616,523, A>T on the plus strand (T>A on the coding strand, the complement: TTN is on the minus strand). VCF-style: chr2-178616523-A-T. GRCh37 (hg19) VCF-style: chr2-179481250-A-T.
Other names: c.43345T>A, p.Tyr14449Asn (NM_001256850.1); c.21073T>A, p.Tyr7025Asn (NM_003319.4); c.40564T>A, p.Tyr13522Asn (NM_133378.4); c.21448T>A, p.Tyr7150Asn (NM_133432.3); c.21649T>A, p.Tyr7217Asn (NM_133437.4); short protein forms Y14449N, Y16090N, Y7150N, Y7217N, Y7025N, Y13522N.
Identifiers: ClinVar variation 515452 (VCV000515452.1), dbSNP rs1553706860, ClinGen allele CA349611487.

ClinVar aggregate classification (germline): Likely benign (1 of 4 stars; one submission).

Submission:

GeneDx
Classification: Likely benign. Last evaluated: 2018-02-12. Review status: criteria provided, single submitter. Criteria: GeneDx Variant Classification (06012015). Collection method: clinical testing. Allele origin: germline. Affected: yes.
Comment: This variant is considered likely benign or benign based on one or more of the following criteria: it is a conservative change, it occurs at a poorly conserved position in the protein, it is predicted to be benign by multiple in silico algorithms, and/or has population frequency not consistent with disease.